The following is an entry in ClinVar:

ClinVar aggregate classification (germline): Uncertain significance (1 of 4 stars; one submission).

Conditions:
Inborn genetic diseases. Identifiers: MedGen C0950123, MeSH D030342.

Submission:

Ambry Genetics
Classification: Uncertain significance for Inborn genetic diseases. Last evaluated: 2025-12-07. Review status: criteria provided, single submitter. Criteria: Ambry Variant Classification Scheme 2023. Collection method: clinical testing. Allele origin: germline.
Comment: The p.G846E variant (also known as c.2537G>A), located in coding exon 26 of the RTEL1 gene, results from a G to A substitution at nucleotide position 2537. The glycine at codon 846 is replaced by glutamic acid, an amino acid with similar properties. This amino acid position is conserved. In addition, this alteration is predicted to be tolerated by in silico analysis. Based on the available evidence, the clinical significance of this variant remains unclear.

NM_001283009.2(RTEL1):c.2537G>A (p.Gly846Glu)

Genes: RTEL1 (regulator of telomere elongation helicase 1; plus strand), RTEL1-TNFRSF6B (RTEL1-TNFRSF6B readthrough (NMD candidate); plus strand). Cytogenetic location: 20q13.33.
Variant type: single nucleotide variant.
Coding change: c.2537G>A on transcript NM_001283009.2 (MANE Select); coding-DNA position 2537, G replaced by A.
Protein change: p.Gly846Glu; replaces glycine 846 with glutamic acid.
Molecular consequence: missense variant. On other transcripts: non-coding transcript variant (1).
Genome position (GRCh38, 1-based): chr20:63,690,928, G>A. VCF-style: chr20-63690928-G-A. GRCh37 (hg19) VCF-style: chr20-62322281-G-A.
Other names: c.1868G>A, p.Gly623Glu (NM_001283010.1); c.2537G>A, p.Gly846Glu (NM_016434.4); c.2609G>A, p.Gly870Glu (NM_032957.5); short protein forms G846E, G870E, G623E.
Identifiers: ClinVar variation 4629643 (VCV004629643.1).